The following is an entry in ClinVar:

NM_001355436.2(SPTB):c.4564-29C>A

Gene: SPTB (spectrin beta, erythrocytic; minus strand). Cytogenetic location: 14q23.3.
Variant type: single nucleotide variant.
Coding change: c.4564-29C>A on transcript NM_001355436.2 (MANE Select); 29 bases into the intron before coding-DNA position 4564, C replaced by A.
Molecular consequence: intron variant.
Genome position (GRCh38, 1-based): chr14:64,775,432, G>T on the plus strand (C>A on the coding strand, the complement: SPTB is on the minus strand). VCF-style: chr14-64775432-G-T. GRCh37 (hg19) VCF-style: chr14-65242150-G-T.
Other names: p.?; c.4564-29C>A (NM_001024858.4, NM_001355437.2).
Identifiers: ClinVar variation 4683879 (VCV004683879.1).

ClinVar aggregate classification (germline): Likely benign (1 of 4 stars; one submission).

Submission:

Mayo Clinic Laboratories, Mayo Clinic
Classification: Likely benign. Last evaluated: 2025-06-10. Review status: criteria provided, single submitter. Criteria: ACMG Guidelines, 2015. Collection method: clinical testing. Allele origin: germline. Observed: 1 variant allele.
Comment: BP4, BP7